The following is an entry in ClinVar:

ClinVar aggregate classification (germline): Uncertain significance. Review status: criteria provided, multiple submitters, no conflicts (2 of 4 stars). 3 submissions from 3 submitters: Uncertain significance (2). 1 of the submissions does not count toward it. Last evaluated 2025-03-27.

Allele frequency attached by ClinVar (database versions not stated): TOPMed 0.00001; ExAC 0.00007; gnomAD 0.00001; gnomAD exomes 0.00008.
gnomAD v4.1: 66 of 1,614,074 alleles (0.0041%); highest among the groups gnomAD compares: Middle Eastern, 0.033%; no homozygotes.

Submissions (3):

Ambry Genetics
Classification: Uncertain significance. Last evaluated: 2025-03-27. Review status: criteria provided, single submitter. Criteria: Ambry Variant Classification Scheme 2023. Collection method: clinical testing. Allele origin: germline.

Breakthrough Genomics
Classification: Uncertain significance. Review status: criteria provided, single submitter. Criteria: ACMG Guidelines, 2015. Collection method: not provided. Allele origin: germline. Inheritance: Autosomal recessive inheritance. Affected: yes.

Department of Pathology and Laboratory Medicine, Sinai Health System
Classification: Uncertain significance. Review status: no assertion criteria provided. Collection method: clinical testing. Allele origin: unknown. Affected: yes. Study: The Canadian Open Genetics Repository (COGR). Not counted in ClinVar's aggregate classification.
Comment: The NUP214 p.Ala1682Thr variant was not identified in the literature nor was it identified in ClinVar, Cosmic or LOVD 3.0. The variant was identified in dbSNP (ID: rs761448842) and in control databases in 21 of 250950 chromosomes at a frequency of 0.000084 (Genome Aggregation Database Feb 27, 2017). The variant was observed in the following populations: South Asian in 12 of 30614 chromosomes (freq: 0.000392), Other in 2 of 6126 chromosomes (freq: 0.000327), Ashkenazi Jewish in 3 of 10058 chromosomes (freq: 0.000298), East Asian in 1 of 18380 chromosomes (freq: 0.000054) and European (non-Finnish) in 3 of 113300 chromosomes (freq: 0.000026), while the variant was not observed in the African, Latino and European (Finnish) populations. The variant occurs outside of the splicing consensus sequence and in silico or computational prediction software programs (SpliceSiteFinder, MaxEntScan, NNSPLICE, GeneSplicer) do not predict a difference in splicing. The p.Ala1682 residue is not conserved in mammals computational analyses (PolyPhen-2, SIFT, AlignGVGD, BLOSUM, MutationTaster) do not suggest a high likelihood of impact to the protein; however, this information is not predictive enough to rule out pathogenicity. In summary, based on the above information the clinical significance of this variant cannot be determined with certainty at this time. This variant is classified as a variant of uncertain significance.

NM_005085.4(NUP214):c.5044G>A (p.Ala1682Thr)

Gene: NUP214 (nucleoporin 214; plus strand). Cytogenetic location: 9q34.13.
Variant type: single nucleotide variant.
Coding change: c.5044G>A on transcript NM_005085.4 (MANE Select); coding-DNA position 5044, G replaced by A.
Protein change: p.Ala1682Thr; replaces alanine 1682 with threonine.
Molecular consequence: missense variant.
Genome position (GRCh38, 1-based): chr9:131,198,538, G>A. VCF-style: chr9-131198538-G-A. GRCh37 (hg19) VCF-style: chr9-134073925-G-A.
Other names: c.5014G>A, p.Ala1672Thr (NM_001318324.2); c.1522G>A, p.Ala508Thr (NM_001318325.2); c.5044G>A (NM_005085.2); short protein forms A1672T, A1682T, A508T.
Identifiers: ClinVar variation 1049768 (VCV001049768.3), dbSNP rs761448842, ClinGen allele CA5290066.
Genomic context (GRCh38, chr9:131,198,538, plus strand): 5'-AACAACACAGCCACTGCCCCCTCTGCCACGCCCGTGTTTGGGCAAGTGGCAGCCAGCACC[G>A]CACCAAGTCTGTTTGGGCAGCAGACTGGTAGCACAGCCAGCACAGCAGCTGCCACACCAC-3'
Protein context (NP_005076.3, residues 1672-1692): PVFGQVAAST[Ala1682Thr]PSLFGQQTGS